The following is an entry in ClinVar:

ClinVar aggregate classification (germline): Likely pathogenic (1 of 4 stars; one submission).

Conditions:
Dilated cardiomyopathy 1G (CMD1G). Identifiers: Orphanet 154, MedGen C1858763, MONDO:0011400, OMIM 604145.
Autosomal recessive limb-girdle muscular dystrophy type 2J (LGMDR10). Also called: Limb-girdle muscular dystrophy, type 2J; MUSCULAR DYSTROPHY, LIMB-GIRDLE, AUTOSOMAL RECESSIVE 10. Identifiers: Orphanet 140922, MedGen C1837342, MONDO:0012127, OMIM 608807.

Submission:

Labcorp Genetics (formerly Invitae), Labcorp
Classification: Likely pathogenic for Dilated cardiomyopathy 1G; Autosomal recessive limb-girdle muscular dystrophy type 2J. Last evaluated: 2025-03-10. Review status: criteria provided, single submitter. Criteria: Invitae Variant Classification Sherloc (09022015). Collection method: clinical testing. Allele origin: germline.
Comment: This sequence change creates a premature translational stop signal (p.Thr27756Glnfs*16) in the TTN gene. While this is not anticipated to result in nonsense mediated decay, it is expected to create a truncated TTN protein. This variant is not present in population databases (gnomAD no frequency). This variant has not been reported in the literature in individuals affected with TTN-related conditions. This variant is located in the A band of TTN (PMID: 25589632). Truncating variants in this region are significantly overrepresented in patients affected with dilated cardiomyopathy (PMID: 25589632). Truncating variants in this region have also been reported in individuals affected with autosomal recessive centronuclear myopathy (PMID: 23975875). In summary, the currently available evidence indicates that the variant is pathogenic, but additional data are needed to prove that conclusively. Therefore, this variant has been classified as Likely Pathogenic.

Literature cited by the submitters: PubMed 25589632; PubMed 23975875.

NM_001267550.2(TTN):c.83266del (p.Thr27756fs)

Genes: TTN-AS1 (TTN antisense RNA 1; plus strand), TTN (titin; minus strand). Cytogenetic location: 2q31.2.
Variant type: Deletion.
Coding change: c.83266del on transcript NM_001267550.2 (MANE Select); coding-DNA position 83266, one base deleted (A; older notation c.83266delA).
Protein change: p.Thr27756fs; shifts the reading frame from threonine 27756.
Molecular consequence: frameshift variant.
Genome position (GRCh38, 1-based): chr2:178,562,866, T deleted on the plus strand (A on the coding strand, the reverse complement: TTN is on the minus strand); the first of 4 consecutive T bases (chr2:178,562,866-178,562,869); deleting any one gives the same sequence. VCF-style (leftmost placement, unchanged base first): chr2-178562865-GT-G. GRCh37 (hg19) VCF-style: chr2-179427592-GT-G.
Other names: c.78343del, p.Thr26115fs (NM_001256850.1); c.56071del, p.Thr18691fs (NM_003319.4); c.75562del, p.Thr25188fs (NM_133378.4); c.56446del, p.Thr18816fs (NM_133432.3); c.56647del, p.Thr18883fs (NM_133437.4); short protein forms T18691fs, T26115fs, T27756fs, T18816fs, T18883fs, T25188fs.
Identifiers: ClinVar variation 4784398 (VCV004784398.1).
Genomic context (GRCh38, chr2:178,562,865, plus strand): 5'-CTTATGGTCAAATTCACAGGGGCACTTGGTGAGTCAAGAACTCTGACGTTAACAAAAGCT[GT>G]TTTGGAGCCACTATTATTTTCTAATGTCAGATTATACCGACCACTGTCAAATCTGGTAAC-3'